The following is an entry in ClinVar:

ClinVar aggregate classification (germline): Uncertain significance. Review status: criteria provided, multiple submitters, no conflicts (2 of 4 stars). 2 submissions from 2 submitters: Uncertain significance (2). Last evaluated 2025-01-13.

Conditions:
Familial X-linked hypophosphatemic vitamin D refractory rickets (XLHRD). Also called: X-Linked Hypophosphatemia; HYPOPHOSPHATEMIC VITAMIN D-RESISTANT RICKETS; Hypophosphatemic Rickets, X-Linked Dominant; Hypophosphatemia, vitamin D-resistant rickets; Vitamin D-resistant rickets, X-linked. Identifiers: Orphanet 89936, MedGen C0733682, MONDO:0010619, OMIM 307800.

Submissions (3):

Labcorp Genetics (formerly Invitae), Labcorp
Classification: Uncertain significance. Last evaluated: 2025-01-13. Review status: criteria provided, single submitter. Criteria: Invitae Variant Classification Sherloc (09022015). Collection method: clinical testing. Allele origin: germline.
Comment: This variant occurs in a non-coding region of the PHEX gene. It does not change the encoded amino acid sequence of the PHEX protein. This variant is not present in population databases (gnomAD no frequency). This variant has not been reported in the literature in individuals affected with PHEX-related conditions. ClinVar contains an entry for this variant (Variation ID: 368157). Algorithms developed to predict the effect of sequence changes on RNA splicing suggest that this variant may create or strengthen a splice site. In summary, the available evidence is currently insufficient to determine the role of this variant in disease. Therefore, it has been classified as a Variant of Uncertain Significance.

Illumina Laboratory Services, Illumina
Classification: Uncertain significance for Familial X-linked hypophosphatemic vitamin D refractory rickets. Last evaluated: 2018-01-13. Review status: criteria provided, single submitter. Criteria: ICSL Variant Classification Criteria 13 December 2019. Collection method: clinical testing. Allele origin: germline.

Seelig Lab, University of Washington
No classification provided (evidence only). Review status: no classification provided. Collection method: in vitro. Allele origin: not applicable. Functional consequence: effect on translation. Not counted in ClinVar's aggregate classification.
ClinVar note: "not provided" was previously submitted as the classification for the variant. However, the classification appeared to be based only on an observation of functional data so it was converted to no classification on 2025-07-30.

NM_000444.6(PHEX):c.-10G>T

Gene: PHEX (phosphate regulating endopeptidase X-linked; plus strand). Cytogenetic location: Xp22.11.
Variant type: single nucleotide variant.
Coding change: c.-10G>T on transcript NM_000444.6 (MANE Select); 10 bases upstream of the start codon, G replaced by T.
Molecular consequence: 5 prime UTR variant.
Genome position (GRCh38, 1-based): chrX:22,032,996, G>T. VCF-style: chrX-22032996-G-T. GRCh37 (hg19) VCF-style: chrX-22051114-G-T.
Other names: c.-10G>T (NM_001282754.2).
Identifiers: ClinVar variation 368157 (VCV000368157.9), dbSNP rs1057515841, ClinGen allele CA10646089.